The following is an entry in ClinVar:

ClinVar aggregate classification (germline): Conflicting classifications of pathogenicity. Review status: criteria provided, conflicting classifications (1 of 4 stars). 4 submissions from 4 submitters: Likely pathogenic (2); Uncertain significance (2). Last evaluated 2026-02-04.

Conditions:
3-methylcrotonyl-CoA carboxylase 2 deficiency. Also called: METHYLCROTONYLGLYCINURIA, TYPE II; 3 alpha methylcrotonyl-CoA carboxylase 2 deficiency; 3 alpha methylcrotonylglycinuria 2; MCC 2 deficiency; Methylcrotonylglycinuria type 2. Identifiers: Orphanet 6, MedGen C1859499, MONDO:0008862, OMIM 210210.

Allele frequency attached by ClinVar (database versions not stated): gnomAD exomes below 0.00001.
gnomAD v4.1: 2 of 1,614,136 alleles (0.00012%); highest among the groups gnomAD compares: South Asian, 0.0011%; no homozygotes.

Submissions (4):

Myriad Genetics, Inc.
Classification: Uncertain significance for 3-methylcrotonyl-CoA carboxylase 2 deficiency. Last evaluated: 2026-02-04. Review status: criteria provided, single submitter. Criteria: Myriad Autosomal Dominant, Autosomal Recessive and X-Linked Classification Criteria (2023). Collection method: clinical testing. Allele origin: unknown.
Comment: NM_022132.4(MCCC2):c.955G>A(G319R) is a missense variant classified as a variant of uncertain significance in the context of 3-methylcrotonyl-CoA carboxylase deficiency, MCC2-related. G319R has been observed in a case with relevant disease (PMID: 25382614). Relevant functional assessments of this variant are not available in the literature. G319R has been observed in referenced population frequency databases. In summary, there is insufficient evidence to classify NM_022132.4(MCCC2):c.955G>A(G319R) as pathogenic or benign. Please note: this variant was assessed in the context of healthy population screening.

GeneDx
Classification: Likely pathogenic. Last evaluated: 2025-02-04. Review status: criteria provided, single submitter. Criteria: GeneDx Variant Classification Process June 2021. Collection method: clinical testing. Allele origin: germline. Affected: yes.
Comment: Not observed at significant frequency in large population cohorts (gnomAD); In silico analysis supports that this missense variant has a deleterious effect on protein structure/function; This variant is associated with the following publications: (PMID: 36822454, 25382614)

Labcorp Genetics (formerly Invitae), Labcorp
Classification: Likely pathogenic for 3-methylcrotonyl-CoA carboxylase 2 deficiency. Last evaluated: 2022-08-20. Review status: criteria provided, single submitter. Criteria: Invitae Variant Classification Sherloc (09022015). Collection method: clinical testing. Allele origin: germline.
Comment: In summary, the currently available evidence indicates that the variant is pathogenic, but additional data are needed to prove that conclusively. Therefore, this variant has been classified as Likely Pathogenic. Advanced modeling of protein sequence and biophysical properties (such as structural, functional, and spatial information, amino acid conservation, physicochemical variation, residue mobility, and thermodynamic stability) performed at Invitae indicates that this missense variant is expected to disrupt MCCC2 protein function. ClinVar contains an entry for this variant (Variation ID: 1032131). This missense change has been observed in individual(s) with MCCC2-related conditions (PMID: 25382614). In at least one individual the data is consistent with being in trans (on the opposite chromosome) from a pathogenic variant. This variant is present in population databases (no rsID available, gnomAD 0.0009%). This sequence change replaces glycine, which is neutral and non-polar, with arginine, which is basic and polar, at codon 319 of the MCCC2 protein (p.Gly319Arg).

Baylor Genetics
Classification: Uncertain significance for 3-methylcrotonyl-CoA carboxylase 2 deficiency. Last evaluated: 2018-07-11. Review status: criteria provided, single submitter. Criteria: ACMG Guidelines, 2015. Collection method: clinical testing. Allele origin: paternal. Affected: yes.
Comment: This variant was determined to be of uncertain significance according to ACMG Guidelines, 2015 [PMID:25741868]. This variant has been previously reported in one patient with 3-methylcrotonoyl-CoA carboxylase 2 deficiency and the functional study showed that this variant has about 4% of the activity produced by wild type allele [PMID: 11181649] An allelic change affecting the same amino acid, c.578G>A (p.R193H), has also been previously reported in patients with with 3-methylcrotonoyl-CoA carboxylase 2 [PMID: 16835865] The c.955G>A (p.G319R) variant has been previously reported in one patient with 3-methylcrotonoyl-CoA carboxylase 2 deficiency [PMID: 25382614]

Literature cited by the submitters: PubMed 25382614 (cited by 3 submitters); PubMed 11181649 (cited by Baylor Genetics); PubMed 16835865 (cited by Baylor Genetics).

NM_022132.5(MCCC2):c.955G>A (p.Gly319Arg)

Gene: MCCC2 (methylcrotonyl-CoA carboxylase subunit 2; plus strand). Cytogenetic location: 5q13.2.
Variant type: single nucleotide variant.
Coding change: c.955G>A on transcript NM_022132.5 (MANE Select); coding-DNA position 955, G replaced by A.
Protein change: p.Gly319Arg; replaces glycine 319 with arginine.
Molecular consequence: missense variant.
Genome position (GRCh38, 1-based): chr5:71,635,202, G>A. VCF-style: chr5-71635202-G-A. GRCh37 (hg19) VCF-style: chr5-70931029-G-A.
Other names: c.841G>A, p.Gly281Arg (NM_001363147.1); short protein forms G319R, G281R.
Identifiers: ClinVar variation 1032131 (VCV001032131.8), dbSNP rs1443551700, ClinGen allele CA359987685.